The following is an entry in ClinVar:

ClinVar aggregate classification (germline): Uncertain significance (1 of 4 stars; one submission).

Submission:

Labcorp Genetics (formerly Invitae), Labcorp
Classification: Uncertain significance. Last evaluated: 2024-08-04. Review status: criteria provided, single submitter. Criteria: Invitae Variant Classification Sherloc (09022015). Collection method: clinical testing. Allele origin: germline.
Comment: This sequence change replaces proline, which is neutral and non-polar, with serine, which is neutral and polar, at codon 654 of the GGCX protein (p.Pro654Ser). This variant is present in population databases (no rsID available, gnomAD 0.004%). This variant has not been reported in the literature in individuals affected with GGCX-related conditions. An algorithm developed to predict the effect of missense changes on protein structure and function (PolyPhen-2) suggests that this variant is likely to be disruptive. In summary, the available evidence is currently insufficient to determine the role of this variant in disease. Therefore, it has been classified as a Variant of Uncertain Significance.

NM_000821.7(GGCX):c.1960C>T (p.Pro654Ser)

Gene: GGCX (gamma-glutamyl carboxylase; minus strand). Cytogenetic location: 2p11.2.
Variant type: single nucleotide variant.
Coding change: c.1960C>T on transcript NM_000821.7 (MANE Select); coding-DNA position 1960, C replaced by T.
Protein change: p.Pro654Ser; replaces proline 654 with serine.
Molecular consequence: missense variant.
Genome position (GRCh38, 1-based): chr2:85,550,679, G>A on the plus strand (C>T on the coding strand, the complement: GGCX is on the minus strand). VCF-style: chr2-85550679-G-A. GRCh37 (hg19) VCF-style: chr2-85777802-G-A.
Other names: c.1789C>T, p.Pro597Ser (NM_001142269.4); short protein forms P654S, P597S.
Identifiers: ClinVar variation 3694850 (VCV003694850.2).
Genomic context (GRCh38, chr2:85,550,679, plus strand): 5'-TTCGCCGGCGTTCAATCTCCTGGAGCCTTTGTTGGCGTCTAAGAAAGGTCTGAACCAGAG[G>A]TGTTGGCTCAGGGCCCCCTTTTACTTCCCCTTCCAACAGAGGCTGCAGCTCTGGGGGTAG-3'
Protein context (NP_000812.2, residues 644-664): GEVKGGPEPT[Pro654Ser]LVQTFLRRQQ